The following is an entry in ClinVar:

ClinVar aggregate classification (germline): Conflicting classifications of pathogenicity. Review status: criteria provided, conflicting classifications (1 of 4 stars). 4 submissions from 4 submitters: Uncertain significance (1); Benign (1); Likely benign (1). 1 of the submissions does not count toward it. Last evaluated 2026-02-02.

Conditions:
Thyroid dyshormonogenesis 6 (TDH6). Also called: THYROID HORMONOGENESIS, GENETIC DEFECT IN, 6; Genetic transient congenital hypothyroidism; HYPOTHYROIDISM, CONGENITAL, DUE TO DYSHORMONOGENESIS, 6. Identifiers: Orphanet 226316, Orphanet 95716, MedGen C1846632, MONDO:0011792, OMIM 607200.
DUOX2-related disorder. Also called: DUOX2-related condition.

Allele frequency attached by ClinVar (database versions not stated): gnomAD 0.00338; TOPMed 0.00374; ESP Exome Variant Server 0.00385; 1000 Genomes Project 0.00599; 1000 Genomes Project 30x 0.00640.

Submissions (4):

Labcorp Genetics (formerly Invitae), Labcorp
Classification: Benign. Last evaluated: 2026-02-02. Review status: criteria provided, single submitter. Criteria: Invitae Variant Classification Sherloc (09022015). Collection method: clinical testing. Allele origin: germline.

Mayo Clinic Laboratories, Mayo Clinic
Classification: Likely benign. Last evaluated: 2025-07-29. Review status: criteria provided, single submitter. Criteria: ACMG Guidelines, 2015. Collection method: clinical testing. Allele origin: germline. Observed: 1 variant allele.
Comment: BS1, BS2, BP4, BP7

Illumina Laboratory Services, Illumina
Classification: Uncertain significance for Thyroid dyshormonogenesis 6. Last evaluated: 2018-01-13. Review status: criteria provided, single submitter. Criteria: ICSL Variant Classification Criteria 13 December 2019. Collection method: clinical testing. Allele origin: germline.

PreventionGenetics, part of Exact Sciences
Classification: Benign for DUOX2-related condition. Last evaluated: 2019-06-11. Review status: no assertion criteria provided. Collection method: clinical testing. Allele origin: germline. Not counted in ClinVar's aggregate classification.
Comment: This variant is classified as benign based on ACMG/AMP sequence variant interpretation guidelines (Richards et al. 2015 PMID: 25741868, with internal and published modifications).

NM_001363711.2(DUOX2):c.3081G>A (p.Lys1027=)

Gene: DUOX2 (dual oxidase 2; minus strand). Cytogenetic location: 15q21.1.
Variant type: single nucleotide variant.
Coding change: c.3081G>A on transcript NM_001363711.2 (MANE Select); coding-DNA position 3081, G replaced by A.
Protein change: p.Lys1027=; no amino-acid change (lysine 1027 retained).
Molecular consequence: synonymous variant.
Genome position (GRCh38, 1-based): chr15:45,100,153, C>T on the plus strand (G>A on the coding strand, the complement: DUOX2 is on the minus strand). VCF-style: chr15-45100153-C-T. GRCh37 (hg19) VCF-style: chr15-45392351-C-T.
Other names: p.Lys1027=; c.3081G>A, p.Lys1027= (NM_014080.5).
Identifiers: ClinVar variation 316157 (VCV000316157.18), dbSNP rs78876145, ClinGen allele CA7538018.